The following is an entry in ClinVar:

ClinVar aggregate classification (germline): Uncertain significance (1 of 4 stars; one submission).

Conditions:
Catecholaminergic polymorphic ventricular tachycardia 1. Also called: VENTRICULAR TACHYCARDIA, CATECHOLAMINERGIC POLYMORPHIC, 1, WITH OR WITHOUT ATRIAL DYSFUNCTION AND/OR DILATED CARDIOMYOPATHY; RYR2-Related Catecholaminergic Polymorphic Ventricular Tachycardia; VENTRICULAR TACHYCARDIA, STRESS-INDUCED POLYMORPHIC 1. Identifiers: Orphanet 3286, MedGen C1631597, MONDO:0011484, OMIM 604772.

Submission:

Labcorp Genetics (formerly Invitae), Labcorp
Classification: Uncertain significance for Catecholaminergic polymorphic ventricular tachycardia 1. Last evaluated: 2025-07-16. Review status: criteria provided, single submitter. Criteria: Invitae Variant Classification Sherloc (09022015). Collection method: clinical testing. Allele origin: germline.
Comment: This sequence change replaces glycine, which is neutral and non-polar, with aspartic acid, which is acidic and polar, at codon 119 of the CASQ2 protein (p.Gly119Asp). This variant is not present in population databases (gnomAD no frequency). This variant has not been reported in the literature in individuals affected with CASQ2-related conditions. ClinVar contains an entry for this variant (Variation ID: 3664589). Invitae Evidence Modeling of protein sequence and biophysical properties (such as structural, functional, and spatial information, amino acid conservation, physicochemical variation, residue mobility, and thermodynamic stability) indicates that this missense variant is expected to disrupt CASQ2 protein function with a positive predictive value of 80%. In summary, the available evidence is currently insufficient to determine the role of this variant in disease. Therefore, it has been classified as a Variant of Uncertain Significance.

NM_001232.4(CASQ2):c.356G>A (p.Gly119Asp)

Gene: CASQ2 (calsequestrin 2; minus strand). Cytogenetic location: 1p13.1.
Variant type: single nucleotide variant.
Coding change: c.356G>A on transcript NM_001232.4 (MANE Select); coding-DNA position 356, G replaced by A.
Protein change: p.Gly119Asp; replaces glycine 119 with aspartic acid.
Molecular consequence: missense variant.
Genome position (GRCh38, 1-based): chr1:115,740,792, C>T on the plus strand (G>A on the coding strand, the complement: CASQ2 is on the minus strand). VCF-style: chr1-115740792-C-T. GRCh37 (hg19) VCF-style: chr1-116283413-C-T.
Other names: short protein forms G119D.
Identifiers: ClinVar variation 3664589 (VCV003664589.2).